The following is an entry in ClinVar:

ClinVar aggregate classification (germline): Likely benign (1 of 4 stars; one submission).

Allele frequency attached by ClinVar (database versions not stated): gnomAD exomes 0.00002; ExAC 0.00006; gnomAD 0.00011; TOPMed 0.00012; 1000 Genomes Project 0.00020; 1000 Genomes Project 30x 0.00031.
gnomAD v4.1: 43 of 1,548,288 alleles (0.0028%); highest among the groups gnomAD compares: East Asian, 0.044%; no homozygotes.

Submission:

CeGaT Center for Human Genetics Tuebingen
Classification: Likely benign. Last evaluated: 2022-10-01. Review status: criteria provided, single submitter. Criteria: CeGaT Center For Human Genetics Tuebingen Variant Classification Criteria Version 2. Collection method: clinical testing. Allele origin: germline. Affected: yes. Observed: 1 variant allele.
Comment: PCSK6: BP4, BP7

NM_002570.5(PCSK6):c.1587G>A (p.Ala529=)

Gene: PCSK6 (proprotein convertase subtilisin/kexin type 6; minus strand). Cytogenetic location: 15q26.3.
Variant type: single nucleotide variant.
Coding change: c.1587G>A on transcript NM_002570.5 (MANE Select); coding-DNA position 1587, G replaced by A.
Protein change: p.Ala529=; no amino-acid change (alanine 529 retained).
Molecular consequence: synonymous variant.
Genome position (GRCh38, 1-based): chr15:101,370,469, C>T on the plus strand (G>A on the coding strand, the complement: PCSK6 is on the minus strand). VCF-style: chr15-101370469-C-T. GRCh37 (hg19) VCF-style: chr15-101910674-C-T.
Other names: c.1365G>A, p.Ala455= (NM_001291309.2); c.1587G>A, p.Ala529= (NM_138319.4, NM_138323.3, NM_138324.3 and 1 more transcripts).
Identifiers: ClinVar variation 2645754 (VCV002645754.24), dbSNP rs561642674, ClinGen allele CA7763926.